The following is an entry in ClinVar:

ClinVar aggregate classification (germline): Uncertain significance (1 of 4 stars; one submission).

Conditions:
Psoriasis 2. Identifiers: MedGen C1864497, MONDO:0011269, OMIM 602723.
Pityriasis rubra pilaris (PRP). Also called: Pityriasis rubra pilaris--familial type. Identifiers: Orphanet 2897, MedGen C0032027, MONDO:0100017, OMIM 173200, MONDO:0008251.

Submission:

Labcorp Genetics (formerly Invitae), Labcorp
Classification: Uncertain significance for Pityriasis rubra pilaris; Psoriasis 2. Last evaluated: 2023-04-03. Review status: criteria provided, single submitter. Criteria: Invitae Variant Classification Sherloc (09022015). Collection method: clinical testing. Allele origin: germline.
Comment: This sequence change replaces aspartic acid, which is acidic and polar, with alanine, which is neutral and non-polar, at codon 549 of the CARD14 protein (p.Asp549Ala). In summary, the available evidence is currently insufficient to determine the role of this variant in disease. Therefore, it has been classified as a Variant of Uncertain Significance. This variant is not present in population databases (gnomAD no frequency). This variant has not been reported in the literature in individuals affected with CARD14-related conditions. Advanced modeling of protein sequence and biophysical properties (such as structural, functional, and spatial information, amino acid conservation, physicochemical variation, residue mobility, and thermodynamic stability) performed at Invitae indicates that this missense variant is not expected to disrupt CARD14 protein function.

NM_001366385.1(CARD14):c.1646A>C (p.Asp549Ala)

Gene: CARD14 (caspase recruitment domain family member 14; plus strand). Cytogenetic location: 17q25.3.
Variant type: single nucleotide variant.
Coding change: c.1646A>C on transcript NM_001366385.1 (MANE Select); coding-DNA position 1646, A replaced by C.
Protein change: p.Asp549Ala; replaces aspartic acid 549 with alanine.
Molecular consequence: missense variant. On other transcripts: non-coding transcript variant (1).
Genome position (GRCh38, 1-based): chr17:80,198,150, A>C. VCF-style: chr17-80198150-A-C. GRCh37 (hg19) VCF-style: chr17-78171949-A-C.
Other names: c.1646A>C, p.Asp549Ala (NM_001257970.1, NM_024110.4); c.935A>C, p.Asp312Ala (NM_052819.3); short protein forms D312A, D549A.
Identifiers: ClinVar variation 2946095 (VCV002946095.3), dbSNP rs2510679627, ClinGen allele CA401350701.